The following is an entry in ClinVar:

ClinVar aggregate classification (germline): Uncertain significance (1 of 4 stars; one submission).

gnomAD v4.1: 7 of 1,613,994 alleles (0.00043%); highest among the groups gnomAD compares: African/African-American, 0.008%; no homozygotes.

Submission:

GeneDx
Classification: Uncertain significance. Last evaluated: 2023-04-12. Review status: criteria provided, single submitter. Criteria: GeneDx Variant Classification Process June 2021. Collection method: clinical testing. Allele origin: germline. Affected: yes.
Comment: Has not been previously published as pathogenic or benign to our knowledge; In silico analysis supports that this missense variant does not alter protein structure/function; In silico analysis suggests this variant may impact gene splicing. In the absence of RNA/functional studies, the actual effect of this sequence change is unknown.

NM_005085.4(NUP214):c.581C>G (p.Ala194Gly)

Gene: NUP214 (nucleoporin 214; plus strand). Cytogenetic location: 9q34.13.
Variant type: single nucleotide variant.
Coding change: c.581C>G on transcript NM_005085.4 (MANE Select); coding-DNA position 581, C replaced by G.
Protein change: p.Ala194Gly; replaces alanine 194 with glycine.
Molecular consequence: missense variant.
Genome position (GRCh38, 1-based): chr9:131,129,466, C>G. VCF-style: chr9-131129466-C-G. GRCh37 (hg19) VCF-style: chr9-134004853-C-G.
Other names: c.581C>G, p.Ala194Gly (NM_001318324.2); short protein forms A194G.
Identifiers: ClinVar variation 3343053 (VCV003343053.1).